The following is an entry in ClinVar:

ClinVar aggregate classification (germline): Benign. Review status: criteria provided, multiple submitters, no conflicts (2 of 4 stars). 2 submissions from 2 submitters: Benign (2). Last evaluated 2018-06-14.

Allele frequency attached by ClinVar (database versions not stated): gnomAD exomes 0.31277; TOPMed 0.34960; gnomAD 0.35134 and 0.35606; 1000 Genomes Project 30x 0.35150; 1000 Genomes Project 0.35363.
gnomAD v4.1: 264,759 of 828,034 alleles (32%); highest among the groups gnomAD compares: African/African-American, 44%; 43,995 homozygotes.

Submissions (2):

GeneDx
Classification: Benign. Last evaluated: 2018-06-14. Review status: criteria provided, single submitter. Criteria: GeneDx Variant Classification (06012015). Collection method: clinical testing. Allele origin: germline. Affected: yes.
Comment: This variant is considered likely benign or benign based on one or more of the following criteria: it is a conservative change, it occurs at a poorly conserved position in the protein, it is predicted to be benign by multiple in silico algorithms, and/or has population frequency not consistent with disease.

Breakthrough Genomics
Classification: Benign. Review status: criteria provided, single submitter. Criteria: ACMG Guidelines, 2015. Collection method: not provided. Allele origin: germline. Inheritance: Autosomal recessive inheritance. Affected: yes.

NM_001244008.2(KIF1A):c.107-114G>A

Gene: KIF1A (kinesin family member 1A; minus strand). Cytogenetic location: 2q37.3.
Variant type: single nucleotide variant.
Coding change: c.107-114G>A on transcript NM_001244008.2 (MANE Select); 114 bases into the intron before coding-DNA position 107, G replaced by A.
Molecular consequence: intron variant.
Genome position (GRCh38, 1-based): chr2:240,789,426, C>T on the plus strand (G>A on the coding strand, the complement: KIF1A is on the minus strand). VCF-style: chr2-240789426-C-T. GRCh37 (hg19) VCF-style: chr2-241728843-C-T.
Other names: c.107-114G>A (NM_001379653.1, NM_001379650.1, NM_001379645.1 and 20 more transcripts).
Identifiers: ClinVar variation 682826 (VCV000682826.2), dbSNP rs2288745, ClinGen allele CA11142932.